The following is an entry in ClinVar:

ClinVar aggregate classification (germline): Likely benign (1 of 4 stars; one submission).

gnomAD v4.1: 3,767 of 1,613,002 alleles (0.23%); highest among the groups gnomAD compares: East Asian, 0.8%; 14 homozygotes.

Submission:

CeGaT Center for Human Genetics Tuebingen
Classification: Likely benign. Last evaluated: 2024-09-01. Review status: criteria provided, single submitter. Criteria: CeGaT Center For Human Genetics Tuebingen Variant Classification Criteria Version 2. Collection method: clinical testing. Allele origin: germline. Affected: yes. Observed: 1 variant allele.
Comment: COPG1: BP4, BP7, BS2

NM_016128.4(COPG1):c.1071C>T (p.Ile357=)

Gene: COPG1 (coat protein complex I subunit gamma 1; plus strand). Cytogenetic location: 3q21.3.
Variant type: single nucleotide variant.
Coding change: c.1071C>T on transcript NM_016128.4 (MANE Select); coding-DNA position 1071, C replaced by T.
Protein change: p.Ile357=; no amino-acid change (isoleucine 357 retained).
Molecular consequence: synonymous variant.
Genome position (GRCh38, 1-based): chr3:129,260,750, C>T. VCF-style: chr3-129260750-C-T. GRCh37 (hg19) VCF-style: chr3-128979593-C-T.
Identifiers: ClinVar variation 3387905 (VCV003387905.14).